The following is an entry in ClinVar:

NM_001963.6(EGF):c.1660G>C (p.Val554Leu)

Gene: EGF (epidermal growth factor; plus strand). Cytogenetic location: 4q25.
Variant type: single nucleotide variant.
Coding change: c.1660G>C on transcript NM_001963.6 (MANE Select); coding-DNA position 1660, G replaced by C.
Protein change: p.Val554Leu; replaces valine 554 with leucine.
Molecular consequence: missense variant.
Genome position (GRCh38, 1-based): chr4:109,969,055, G>C. VCF-style: chr4-109969055-G-C. GRCh37 (hg19) VCF-style: chr4-110890211-G-C.
Other names: c.1534G>C, p.Val512Leu (NM_001178131.3, NM_001357021.2); c.1660G>C, p.Val554Leu (NM_001178130.3); short protein forms V512L, V554L.
Identifiers: ClinVar variation 2720957 (VCV002720957.3), dbSNP rs1747129339, ClinGen allele CA357882217.

ClinVar aggregate classification (germline): Uncertain significance (1 of 4 stars; one submission).

Allele frequency attached by ClinVar (database versions not stated): gnomAD exomes below 0.00001.
gnomAD v4.1: 1 of 1,614,244 alleles (0.000062%); highest among the groups gnomAD compares: Non-Finnish European, 0.000085%; no homozygotes.

Submission:

Labcorp Genetics (formerly Invitae), Labcorp
Classification: Uncertain significance. Last evaluated: 2025-03-31. Review status: criteria provided, single submitter. Criteria: Invitae Variant Classification Sherloc (09022015). Collection method: clinical testing. Allele origin: germline.
Comment: This sequence change replaces valine, which is neutral and non-polar, with leucine, which is neutral and non-polar, at codon 554 of the EGF protein (p.Val554Leu). This variant is not present in population databases (gnomAD no frequency). This variant has not been reported in the literature in individuals affected with EGF-related conditions. ClinVar contains an entry for this variant (Variation ID: 2720957). An algorithm developed to predict the effect of missense changes on protein structure and function outputs the following: PolyPhen-2: "Benign". The leucine amino acid residue is found in multiple mammalian species, which suggests that this missense change does not adversely affect protein function. In summary, the available evidence is currently insufficient to determine the role of this variant in disease. Therefore, it has been classified as a Variant of Uncertain Significance.